The following is an entry in ClinVar:

ClinVar aggregate classification (germline): Uncertain significance. Review status: criteria provided, multiple submitters, no conflicts (2 of 4 stars). 3 submissions from 3 submitters: Uncertain significance (3). Last evaluated 2026-08-12.

Conditions:
Fanconi anemia complementation group P. Also called: SLX4-Related Fanconi Anemia. Identifiers: Orphanet 84, MedGen C3469542, MONDO:0013499, OMIM 613951.
Fanconi anemia (FA). Also called: Fanconi's anemia. Identifiers: Orphanet 84, MedGen C0015625, MeSH D005199, MONDO:0019391.

Allele frequency attached by ClinVar (database versions not stated): 1000 Genomes Project 0.00040; TOPMed 0.00032; 1000 Genomes Project 30x 0.00062.
gnomAD v4.1: 110 of 1,614,190 alleles (0.0068%); highest among the groups gnomAD compares: African/African-American, 0.081%; no homozygotes.

Submissions (3):

GeneDx
Classification: Uncertain significance. Last evaluated: 2026-08-12. Review status: criteria provided, single submitter. Criteria: GeneDx Variant Classification Process June 2021. Collection method: clinical testing. Allele origin: germline.
Comment: In silico analysis suggests that this missense variant does not alter protein structure/function; Has not been previously published as pathogenic or benign to our knowledge

Labcorp Genetics (formerly Invitae), Labcorp
Classification: Uncertain significance for Fanconi anemia. Last evaluated: 2025-12-24. Review status: criteria provided, single submitter. Criteria: Invitae Variant Classification Sherloc (09022015). Collection method: clinical testing. Allele origin: germline.
Comment: This sequence change replaces glycine, which is neutral and non-polar, with arginine, which is basic and polar, at codon 141 of the SLX4 protein (p.Gly141Arg). This variant is present in population databases (rs137976282, gnomAD 0.1%). This variant has not been reported in the literature in individuals affected with SLX4-related conditions. ClinVar contains an entry for this variant (Variation ID: 1041719). An algorithm developed to predict the effect of missense changes on protein structure and function outputs the following: PolyPhen-2: "Benign". The arginine amino acid residue is found in multiple mammalian species, which suggests that this missense change does not adversely affect protein function. In summary, the available evidence is currently insufficient to determine the role of this variant in disease. Therefore, it has been classified as a Variant of Uncertain Significance.

Fulgent Genetics
Classification: Uncertain significance for Fanconi anemia complementation group P. Last evaluated: 2024-05-14. Review status: criteria provided, single submitter. Criteria: ACMG Guidelines, 2015. Collection method: clinical testing. Allele origin: germline.

NM_032444.4(SLX4):c.421G>C (p.Gly141Arg)

Gene: SLX4 (SLX4 structure-specific endonuclease subunit; minus strand). Cytogenetic location: 16p13.3.
Variant type: single nucleotide variant.
Coding change: c.421G>C on transcript NM_032444.4 (MANE Select); coding-DNA position 421, G replaced by C.
Protein change: p.Gly141Arg; replaces glycine 141 with arginine.
Molecular consequence: missense variant.
Genome position (GRCh38, 1-based): chr16:3,608,544, C>G on the plus strand (G>C on the coding strand, the complement: SLX4 is on the minus strand). VCF-style: chr16-3608544-C-G. GRCh37 (hg19) VCF-style: chr16-3658545-C-G.
Other names: short protein forms G141R.
Identifiers: ClinVar variation 1041719 (VCV001041719.12), dbSNP rs137976282, ClinGen allele CA7866882.